The following is an entry in ClinVar:

ClinVar aggregate classification (germline): Uncertain significance (1 of 4 stars; one submission).

Conditions:
Developmental and epileptic encephalopathy, 27 (DEE27). Also called: Epileptic encephalopathy, early infantile, 27; GRIN2B-Related Neurodevelopmental Disorder. Identifiers: Orphanet 3451, MedGen C4015316, MONDO:0014505, OMIM 616139.
Intellectual developmental disorder, autosomal dominant 6, with or without seizures. Also called: Intellectual disability, autosomal dominant 6; GRIN2B-related developmental delay, intellectual disability and autism spectrum disorder. Identifiers: Orphanet 589547, MedGen C3151411, MONDO:0013509, OMIM 613970.

Submission:

Labcorp Genetics (formerly Invitae), Labcorp
Classification: Uncertain significance for Developmental and epileptic encephalopathy, 27; Intellectual developmental disorder, autosomal dominant 6, with or without seizures. Last evaluated: 2026-01-25. Review status: criteria provided, single submitter. Criteria: Invitae Variant Classification Sherloc (09022015). Collection method: clinical testing. Allele origin: germline.
Comment: This sequence change replaces lysine, which is basic and polar, with asparagine, which is neutral and polar, at codon 1156 of the GRIN2B protein (p.Lys1156Asn). This variant is not present in population databases (gnomAD no frequency). This variant has not been reported in the literature in individuals affected with GRIN2B-related conditions. Invitae Evidence Modeling of protein sequence and biophysical properties (such as structural, functional, and spatial information, amino acid conservation, physicochemical variation, residue mobility, and thermodynamic stability) indicates that this missense variant is not expected to disrupt GRIN2B protein function with a negative predictive value of 95%. In summary, the available evidence is currently insufficient to determine the role of this variant in disease. Therefore, it has been classified as a Variant of Uncertain Significance.

NM_000834.5(GRIN2B):c.3468G>C (p.Lys1156Asn)

Gene: GRIN2B (glutamate ionotropic receptor NMDA type subunit 2B; minus strand). Cytogenetic location: 12p13.1.
Variant type: single nucleotide variant.
Coding change: c.3468G>C on transcript NM_000834.5 (MANE Select); coding-DNA position 3468, G replaced by C.
Protein change: p.Lys1156Asn; replaces lysine 1156 with asparagine.
Molecular consequence: missense variant.
Genome position (GRCh38, 1-based): chr12:13,563,770, C>G on the plus strand (G>C on the coding strand, the complement: GRIN2B is on the minus strand). VCF-style: chr12-13563770-C-G. GRCh37 (hg19) VCF-style: chr12-13716704-C-G.
Other names: c.3468G>C, p.Lys1156Asn (NM_001413992.1); short protein forms K1156N.
Identifiers: ClinVar variation 4788746 (VCV004788746.1).
Genomic context (GRCh38, chr12:13,563,770, plus strand): 5'-CCTGTTGGTACAGGGCCCTCCTCCGCTGACGGAGTCGCGCTTAAAGTCATCACTCCGCTC[C>G]TTGTAGATGTCGGTCAGGTCTACGTGCTCCCAGTGGGGTGAGTTCTCCTTTGTTCGGAAC-3'
Protein context (NP_000825.2, residues 1146-1166): WEHVDLTDIY[Lys1156Asn]ERSDDFKRDS